The following is an entry in ClinVar:

NM_001148.6(ANK2):c.4292T>C (p.Met1431Thr)

Gene: ANK2 (ankyrin 2; plus strand). Cytogenetic location: 4q26.
Variant type: single nucleotide variant.
Coding change: c.4292T>C on transcript NM_001148.6 (MANE Select); coding-DNA position 4292, T replaced by C.
Protein change: p.Met1431Thr; replaces methionine 1431 with threonine.
Molecular consequence: missense variant.
Genome position (GRCh38, 1-based): chr4:113,345,943, T>C. VCF-style: chr4-113345943-T-C. GRCh37 (hg19) VCF-style: chr4-114267099-T-C.
Other names: c.4265T>C, p.Met1422Thr (NM_001127493.3); c.4304T>C, p.Met1435Thr (NM_001354225.2); c.4193T>C, p.Met1398Thr (NM_001354228.2, NM_001354258.2); c.4271T>C, p.Met1424Thr (NM_001354230.2); c.4334T>C, p.Met1445Thr (NM_001354231.2, NM_001354242.2); c.4328T>C, p.Met1443Thr (NM_001354232.2); c.4289T>C, p.Met1430Thr (NM_001354235.2, NM_001354246.2, NM_001354265.2); c.4190T>C, p.Met1397Thr (NM_001354236.2); and 31 more; short protein forms M1270T, M1303T, M1331T, M1336T, M1344T, M1356T, M1360T, M1364T.
Identifiers: ClinVar variation 3220980 (VCV003220980.2), dbSNP rs538611008, ClinGen allele CA3051042.

ClinVar aggregate classification (germline): Uncertain significance. Review status: criteria provided, multiple submitters, no conflicts (2 of 4 stars). 2 submissions from 2 submitters: Uncertain significance (2). Last evaluated 2025-03-11.

Conditions:
Cardiovascular phenotype. Identifiers: MedGen CN230736.
Long QT syndrome (LQTS). Identifiers: MedGen C0023976, MeSH D008133, MONDO:0002442. Disease mechanism: loss of function. Inheritance: Various modes of inheritance.

Allele frequency attached by ClinVar (database versions not stated): gnomAD 0.00001; 1000 Genomes Project 0.00020; 1000 Genomes Project 30x 0.00016; ExAC 0.00001.

Submissions (2):

Labcorp Genetics (formerly Invitae), Labcorp
Classification: Uncertain significance for Long QT syndrome. Last evaluated: 2025-03-11. Review status: criteria provided, single submitter. Criteria: Invitae Variant Classification Sherloc (09022015). Collection method: clinical testing. Allele origin: germline.
Comment: This sequence change replaces methionine, which is neutral and non-polar, with threonine, which is neutral and polar, at codon 1431 of the ANK2 protein (p.Met1431Thr). This variant is present in population databases (rs538611008, gnomAD 0.006%). This variant has not been reported in the literature in individuals affected with ANK2-related conditions. ClinVar contains an entry for this variant (Variation ID: 3220980). Invitae Evidence Modeling of protein sequence and biophysical properties (such as structural, functional, and spatial information, amino acid conservation, physicochemical variation, residue mobility, and thermodynamic stability) indicates that this missense variant is not expected to disrupt ANK2 protein function with a negative predictive value of 80%. In summary, the available evidence is currently insufficient to determine the role of this variant in disease. Therefore, it has been classified as a Variant of Uncertain Significance.

Ambry Genetics
Classification: Uncertain significance for Cardiovascular phenotype. Last evaluated: 2023-11-09. Review status: criteria provided, single submitter. Criteria: Ambry Variant Classification Scheme 2023. Collection method: clinical testing. Allele origin: germline.
Comment: The p.M1431T variant (also known as c.4292T>C), located in coding exon 35 of the ANK2 gene, results from a T to C substitution at nucleotide position 4292. The methionine at codon 1431 is replaced by threonine, an amino acid with similar properties. This amino acid position is conserved. In addition, the in silico prediction for this alteration is inconclusive. Since supporting evidence is limited at this time, the clinical significance of this alteration remains unclear.